The following is an entry in ClinVar:

ClinVar aggregate classification (germline): Pathogenic (1 of 4 stars; one submission).

Conditions:
Leigh syndrome (NULS). Also called: Leigh Disease; Subacute necrotizing encephalopathy; Necrotizing encephalopathy infantile subacute of Leigh; Leigh Syndrome (mtDNA deletion); LEIGH SYNDROME, NUCLEAR; Leigh's necrotizing encephalopathy. Identifiers: Orphanet 506, MedGen C2931891, MONDO:0009723, OMIM 256000.

Submission:

Labcorp Genetics (formerly Invitae), Labcorp
Classification: Pathogenic for Leigh syndrome. Last evaluated: 2023-07-19. Review status: criteria provided, single submitter. Criteria: Invitae Variant Classification Sherloc (09022015). Collection method: clinical testing. Allele origin: germline.
Comment: For these reasons, this variant has been classified as Pathogenic. This variant disrupts a region of the SURF1 protein in which other variant(s) (p.Lys291*) have been determined to be pathogenic (PMID: 9837813, 25111564, 27756633). This suggests that this is a clinically significant region of the protein, and that variants that disrupt it are likely to be disease-causing. This premature translational stop signal has been observed in individual(s) with Leigh syndrome (PMID: 11955926). This variant is not present in population databases (gnomAD no frequency). This sequence change creates a premature translational stop signal (p.Glu270*) in the SURF1 gene. While this is not anticipated to result in nonsense mediated decay, it is expected to disrupt the last 31 amino acid(s) of the SURF1 protein.

Literature cited by the submitters: PubMed 9837813; PubMed 25111564; PubMed 27756633; PubMed 11955926.

NM_003172.4(SURF1):c.808G>T (p.Glu270Ter)

Gene: SURF1 (SURF1 cytochrome c oxidase assembly factor; minus strand). Cytogenetic location: 9q34.2.
Variant type: single nucleotide variant.
Coding change: c.808G>T on transcript NM_003172.4 (MANE Select); coding-DNA position 808, G replaced by T.
Protein change: p.Glu270Ter; replaces glutamic acid 270 with a stop codon.
Molecular consequence: nonsense.
Genome position (GRCh38, 1-based): chr9:133,352,086, C>A on the plus strand (G>T on the coding strand, the complement: SURF1 is on the minus strand). VCF-style: chr9-133352086-C-A. GRCh37 (hg19) VCF-style: chr9-136218941-C-A.
Other names: c.481G>T, p.Glu161Ter (NM_001280787.1); short protein forms E270*, E161*.
Identifiers: ClinVar variation 2735361 (VCV002735361.3), dbSNP rs781924765, ClinGen allele CA375693477.